The following is an entry in ClinVar:

ClinVar aggregate classification (germline): Likely benign (1 of 4 stars; one submission).

Allele frequency attached by ClinVar (database versions not stated): gnomAD 0.00003; ExAC 0.00008; ESP Exome Variant Server 0.00015.
gnomAD v4.1: 29 of 1,612,922 alleles (0.0018%); highest among the groups gnomAD compares: Middle Eastern, 0.017%; no homozygotes.

Submission:

CeGaT Center for Human Genetics Tuebingen
Classification: Likely benign. Last evaluated: 2023-09-01. Review status: criteria provided, single submitter. Criteria: CeGaT Center For Human Genetics Tuebingen Variant Classification Criteria Version 2. Collection method: clinical testing. Allele origin: germline. Affected: yes. Observed: 1 variant allele.
Comment: MTSS1: BP4, BP7

NM_014751.6(MTSS1):c.876G>A (p.Ser292=)

Gene: MTSS1 (MTSS I-BAR domain containing 1; minus strand). Cytogenetic location: 8q24.13.
Variant type: single nucleotide variant.
Coding change: c.876G>A on transcript NM_014751.6 (MANE Select); coding-DNA position 876, G replaced by A.
Protein change: p.Ser292=; no amino-acid change (serine 292 retained).
Molecular consequence: synonymous variant.
Genome position (GRCh38, 1-based): chr8:124,562,941, C>T on the plus strand (G>A on the coding strand, the complement: MTSS1 is on the minus strand). VCF-style: chr8-124562941-C-T. GRCh37 (hg19) VCF-style: chr8-125575182-C-T.
Other names: c.888G>A, p.Ser296= (NM_001282971.2, NM_001363296.2, NM_001363299.2); c.876G>A, p.Ser292= (NM_001282974.2, NM_001363295.2, NM_001363300.2 and 1 more transcripts); c.873G>A, p.Ser291= (NM_001363294.2, NM_001363298.2, NM_001363301.2); c.885G>A, p.Ser295= (NM_001363297.2).
Identifiers: ClinVar variation 2658797 (VCV002658797.24), dbSNP rs149620967, ClinGen allele CA4872114.